The following is an entry in ClinVar:

NM_006739.4(MCM5):c.168-3C>T

Gene: MCM5 (minichromosome maintenance complex component 5; plus strand). Cytogenetic location: 22q12.3.
Variant type: single nucleotide variant.
Coding change: c.168-3C>T on transcript NM_006739.4 (MANE Select); 3 bases into the intron before coding-DNA position 168, C replaced by T.
Molecular consequence: intron variant.
Genome position (GRCh38, 1-based): chr22:35,403,204, C>T. VCF-style: chr22-35403204-C-T. GRCh37 (hg19) VCF-style: chr22-35799197-C-T.
Identifiers: ClinVar variation 1518694 (VCV001518694.6), dbSNP rs2145782330, ClinGen allele CA2573158171.
Genomic context (GRCh38, chr22:35,403,204, plus strand): 5'-GCCAGTGTTGGTTTCCTCTTCTTTGCACCCTTCCTGCCCCACCCTGCTATGTGCCCACTC[C>T]AGGGATGAACTCAAGCGGCATTACAACCTGGGGGAGTACTGGATTGAGGTGGAGATGGAG-3'

ClinVar aggregate classification (germline): Uncertain significance (1 of 4 stars; one submission).

Allele frequency attached by ClinVar (database versions not stated): gnomAD exomes below 0.00001.
gnomAD v4.1: 1 of 1,614,070 alleles (0.000062%); highest among the groups gnomAD compares: Non-Finnish European, 0.000085%; no homozygotes.

Submission:

Labcorp Genetics (formerly Invitae), Labcorp
Classification: Uncertain significance. Last evaluated: 2022-08-22. Review status: criteria provided, single submitter. Criteria: Invitae Variant Classification Sherloc (09022015). Collection method: clinical testing. Allele origin: germline.
Comment: In summary, the available evidence is currently insufficient to determine the role of this variant in disease. Therefore, it has been classified as a Variant of Uncertain Significance. Variants that disrupt the consensus splice site are a relatively common cause of aberrant splicing (PMID: 17576681, 9536098). Algorithms developed to predict the effect of sequence changes on RNA splicing suggest that this variant is not likely to affect RNA splicing. ClinVar contains an entry for this variant (Variation ID: 1518694). This variant has not been reported in the literature in individuals affected with MCM5-related conditions. This variant is not present in population databases (gnomAD no frequency). This sequence change falls in intron 2 of the MCM5 gene. It does not directly change the encoded amino acid sequence of the MCM5 protein. It affects a nucleotide within the consensus splice site.

Literature cited by the submitters: PubMed 17576681; PubMed 9536098.